The following is an entry in ClinVar:

ClinVar aggregate classification (germline): Uncertain significance (1 of 4 stars; one submission).

gnomAD v4.1: 30 of 1,612,226 alleles (0.0019%); highest among the groups gnomAD compares: Non-Finnish European, 0.0025%; no homozygotes.

Submission:

Labcorp Genetics (formerly Invitae), Labcorp
Classification: Uncertain significance. Last evaluated: 2025-09-29. Review status: criteria provided, single submitter. Criteria: Invitae Variant Classification Sherloc (09022015). Collection method: clinical testing. Allele origin: germline.
Comment: This sequence change replaces aspartic acid, which is acidic and polar, with glutamic acid, which is acidic and polar, at codon 383 of the SI protein (p.Asp383Glu). This variant is present in population databases (no rsID available, gnomAD 0.0009%). This variant has not been reported in the literature in individuals affected with SI-related conditions. Invitae Evidence Modeling of protein sequence and biophysical properties (such as structural, functional, and spatial information, amino acid conservation, physicochemical variation, residue mobility, and thermodynamic stability) has been performed for this missense variant. However, the output from this modeling did not meet the statistical confidence thresholds required to predict the impact of this variant on SI protein function. In summary, the available evidence is currently insufficient to determine the role of this variant in disease. Therefore, it has been classified as a Variant of Uncertain Significance.

NM_001041.4(SI):c.1149T>G (p.Asp383Glu)

Gene: SI (sucrase-isomaltase; minus strand). Cytogenetic location: 3q26.1.
Variant type: single nucleotide variant.
Coding change: c.1149T>G on transcript NM_001041.4 (MANE Select); coding-DNA position 1149, T replaced by G.
Protein change: p.Asp383Glu; replaces aspartic acid 383 with glutamic acid.
Molecular consequence: missense variant.
Genome position (GRCh38, 1-based): chr3:165,059,297, A>C on the plus strand (T>G on the coding strand, the complement: SI is on the minus strand). VCF-style: chr3-165059297-A-C. GRCh37 (hg19) VCF-style: chr3-164777085-A-C.
Other names: short protein forms D383E.
Identifiers: ClinVar variation 4753114 (VCV004753114.1).
Genomic context (GRCh38, chr3:165,059,297, plus strand): 5'-AACTTGATCATAAGTAAAGTCTTTCTTGTCTTCCATGTAGTCAATATCAGTGACCTGTGT[A>C]TCCTGAAAGTTAGAAGATTGTATTTCAATACATAGTACTGAAAGAGCTCTCTAATCAAGT-3'
Protein context (NP_001032.2, residues 373-393): RRNREAGIPF[Asp383Glu]TQVTDIDYME